The following is an entry in ClinVar:

NM_033305.3(VPS13A):c.9197A>G (p.Glu3066Gly)

Gene: VPS13A (vacuolar protein sorting 13 homolog A; plus strand). Cytogenetic location: 9q21.2.
Variant type: single nucleotide variant.
Coding change: c.9197A>G on transcript NM_033305.3 (MANE Select); coding-DNA position 9197, A replaced by G.
Protein change: p.Glu3066Gly; replaces glutamic acid 3066 with glycine.
Molecular consequence: missense variant.
Genome position (GRCh38, 1-based): chr9:77,403,243, A>G. VCF-style: chr9-77403243-A-G. GRCh37 (hg19) VCF-style: chr9-80018159-A-G.
Other names: c.9080A>G, p.Glu3027Gly (NM_001018037.2); short protein forms E3066G, E3027G.
Identifiers: ClinVar variation 2045112 (VCV002045112.1), dbSNP rs762311045, ClinGen allele CA5093970.

ClinVar aggregate classification (germline): Uncertain significance (1 of 4 stars; one submission).

Allele frequency attached by ClinVar (database versions not stated): TOPMed below 0.00001; ExAC 0.00003.
gnomAD v4.1: 15 of 1,611,292 alleles (0.00093%); highest among the groups gnomAD compares: Middle Eastern, 0.017%; 1 homozygote.

Submission:

Labcorp Genetics (formerly Invitae), Labcorp
Classification: Uncertain significance. Last evaluated: 2022-05-14. Review status: criteria provided, single submitter. Criteria: Invitae Variant Classification Sherloc (09022015). Collection method: clinical testing. Allele origin: germline.
Comment: This sequence change replaces glutamic acid, which is acidic and polar, with glycine, which is neutral and non-polar, at codon 3066 of the VPS13A protein (p.Glu3066Gly). This variant is present in population databases (rs762311045, gnomAD 0.004%). This variant has not been reported in the literature in individuals affected with VPS13A-related conditions. Algorithms developed to predict the effect of missense changes on protein structure and function are either unavailable or do not agree on the potential impact of this missense change (SIFT: "Tolerated"; PolyPhen-2: "Possibly Damaging"; Align-GVGD: "Class C0"). In summary, the available evidence is currently insufficient to determine the role of this variant in disease. Therefore, it has been classified as a Variant of Uncertain Significance.